The following is an entry in ClinVar:

ClinVar aggregate classification (germline): Uncertain significance (1 of 4 stars; one submission).

Allele frequency attached by ClinVar (database versions not stated): gnomAD exomes below 0.00001; gnomAD 0.00002; TOPMed 0.00003.
gnomAD v4.1: 8 of 1,367,334 alleles (0.00059%); highest among the groups gnomAD compares: Admixed American, 0.0019%; no homozygotes.

Submission:

Labcorp Genetics (formerly Invitae), Labcorp
Classification: Uncertain significance. Last evaluated: 2022-06-22. Review status: criteria provided, single submitter. Criteria: Invitae Variant Classification Sherloc (09022015). Collection method: clinical testing. Allele origin: germline.
Comment: This sequence change replaces glutamine, which is neutral and polar, with glutamic acid, which is acidic and polar, at codon 1469 of the ERCC6L2 protein (p.Gln1469Glu). This variant is present in population databases (no rsID available, gnomAD 0.002%). This variant has not been reported in the literature in individuals affected with ERCC6L2-related conditions. Algorithms developed to predict the effect of missense changes on protein structure and function are either unavailable or do not agree on the potential impact of this missense change (SIFT: "Deleterious"; PolyPhen-2: "Not Available"; Align-GVGD: "Class C0"). In summary, the available evidence is currently insufficient to determine the role of this variant in disease. Therefore, it has been classified as a Variant of Uncertain Significance.

NM_020207.7(ERCC6L2):c.4372C>G (p.Gln1458Glu)

Gene: ERCC6L2 (ERCC excision repair 6 like 2; plus strand). Cytogenetic location: 9q22.32.
Variant type: single nucleotide variant.
Coding change: c.4372C>G on transcript NM_020207.7 (MANE Select); coding-DNA position 4372, C replaced by G.
Protein change: p.Gln1458Glu; replaces glutamine 1458 with glutamic acid.
Molecular consequence: missense variant. On other transcripts: non-coding transcript variant (1), intron variant (2).
Genome position (GRCh38, 1-based): chr9:96,012,922, C>G. VCF-style: chr9-96012922-C-G. GRCh37 (hg19) VCF-style: chr9-98775204-C-G.
Other names: c.3674+8221C>G (NM_001375291.1, NM_001375292.1); short protein forms Q1458E.
Identifiers: ClinVar variation 1912925 (VCV001912925.2), dbSNP rs917680585, ClinGen allele CA196591354.